The following is an entry in ClinVar:

ClinVar aggregate classification (germline): Uncertain significance. Review status: criteria provided, multiple submitters, no conflicts (2 of 4 stars). 2 submissions from 2 submitters: Uncertain significance (2). Last evaluated 2023-08-05.

Conditions:
Schuurs-Hoeijmakers syndrome. Also called: PACS1-Related Neurodevelopmental Disorder. Identifiers: Orphanet 329224, MedGen C3554343, MONDO:0014006, OMIM 615009.

Allele frequency attached by ClinVar (database versions not stated): TOPMed 0.00001; gnomAD 0.00001.
gnomAD v4.1: 2 of 1,613,862 alleles (0.00012%); highest among the groups gnomAD compares: African/African-American, 0.0027%; no homozygotes.

Submissions (2):

Labcorp Genetics (formerly Invitae), Labcorp
Classification: Uncertain significance for Schuurs-Hoeijmakers syndrome. Last evaluated: 2023-08-05. Review status: criteria provided, single submitter. Criteria: Invitae Variant Classification Sherloc (09022015). Collection method: clinical testing. Allele origin: germline.
Comment: This variant is not present in population databases (gnomAD no frequency). This variant has not been reported in the literature in individuals affected with PACS1-related conditions. ClinVar contains an entry for this variant (Variation ID: 1311563). Advanced modeling of protein sequence and biophysical properties (such as structural, functional, and spatial information, amino acid conservation, physicochemical variation, residue mobility, and thermodynamic stability) performed at Invitae indicates that this missense variant is not expected to disrupt PACS1 protein function. In summary, the available evidence is currently insufficient to determine the role of this variant in disease. Therefore, it has been classified as a Variant of Uncertain Significance. This sequence change replaces threonine, which is neutral and polar, with alanine, which is neutral and non-polar, at codon 388 of the PACS1 protein (p.Thr388Ala).

GeneDx
Classification: Uncertain significance. Last evaluated: 2023-06-11. Review status: criteria provided, single submitter. Criteria: GeneDx Variant Classification Process June 2021. Collection method: clinical testing. Allele origin: germline. Affected: yes.
Comment: Not observed at significant frequency in large population cohorts (gnomAD); In silico analysis supports that this missense variant has a deleterious effect on protein structure/function; Has not been previously published as pathogenic or benign to our knowledge

NM_018026.4(PACS1):c.1162A>G (p.Thr388Ala)

Gene: PACS1 (phosphofurin acidic cluster sorting protein 1; plus strand). Cytogenetic location: 11q13.2.
Variant type: single nucleotide variant.
Coding change: c.1162A>G on transcript NM_018026.4 (MANE Select); coding-DNA position 1162, A replaced by G.
Protein change: p.Thr388Ala; replaces threonine 388 with alanine.
Molecular consequence: missense variant.
Genome position (GRCh38, 1-based): chr11:66,220,754, A>G. VCF-style: chr11-66220754-A-G. GRCh37 (hg19) VCF-style: chr11-65988225-A-G.
Other names: short protein forms T388A.
Identifiers: ClinVar variation 1311563 (VCV001311563.6), dbSNP rs1036338542, ClinGen allele CA224029288.